The following is an entry in ClinVar:

NM_017433.5(MYO3A):c.1643C>A (p.Pro548His)

Gene: MYO3A (myosin IIIA; plus strand). Cytogenetic location: 10p12.1.
Variant type: single nucleotide variant.
Coding change: c.1643C>A on transcript NM_017433.5 (MANE Select); coding-DNA position 1643, C replaced by A.
Protein change: p.Pro548His; replaces proline 548 with histidine.
Molecular consequence: missense variant.
Genome position (GRCh38, 1-based): chr10:26,096,461, C>A. VCF-style: chr10-26096461-C-A. GRCh37 (hg19) VCF-style: chr10-26385390-C-A.
Other names: short protein forms P548H.
Identifiers: ClinVar variation 178465 (VCV000178465.76), dbSNP rs143918373, ClinGen allele CA182384.

ClinVar aggregate classification (germline): Conflicting classifications of pathogenicity. Review status: criteria provided, conflicting classifications (1 of 4 stars). 10 submissions from 10 submitters: Uncertain significance (7); Likely benign (3). Last evaluated 2026-06-30.

Conditions:
Inborn genetic diseases. Identifiers: MedGen C0950123, MeSH D030342.
MYO3A-related disorder. Also called: MYO3A-related condition.
Autosomal recessive nonsyndromic hearing loss 30. Identifiers: Orphanet 90636, MedGen C1846784, MONDO:0011774, OMIM 607101.

Allele frequency attached by ClinVar (database versions not stated): TOPMed 0.00107; ESP Exome Variant Server 0.00131; 1000 Genomes Project 0.00220; 1000 Genomes Project 30x 0.00234.
gnomAD v4.1: 509 of 1,613,648 alleles (0.032%); highest among the groups gnomAD compares: African/African-American, 0.34%; 3 homozygotes.

Submissions (10):

GeneDx
Classification: Uncertain significance. Last evaluated: 2026-06-30. Review status: criteria provided, single submitter. Criteria: GeneDx Variant Classification Process June 2021. Collection method: clinical testing. Allele origin: germline.
Comment: In silico analysis supports that this missense variant has a deleterious effect on protein structure/function; Has not been previously published as pathogenic or benign to our knowledge

Labcorp Genetics (formerly Invitae), Labcorp
Classification: Likely benign. Last evaluated: 2025-10-08. Review status: criteria provided, single submitter. Criteria: Invitae Variant Classification Sherloc (09022015). Collection method: clinical testing. Allele origin: germline.

PreventionGenetics, part of Exact Sciences
Classification: Likely benign for MYO3A-related condition. Last evaluated: 2025-04-14. Review status: criteria provided, single submitter. Criteria: ACMG Guidelines, 2015. Collection method: clinical testing. Allele origin: germline.
Comment: This variant is classified as likely benign based on ACMG/AMP sequence variant interpretation guidelines (Richards et al. 2015 PMID: 25741868, with internal and published modifications).

Blueprint Genetics
Classification: Uncertain significance. Last evaluated: 2024-11-20. Review status: criteria provided, single submitter. Criteria: ACMG Guidelines, 2015. Collection method: clinical testing. Allele origin: germline.

Ambry Genetics
Classification: Uncertain significance for Inborn genetic diseases. Last evaluated: 2023-04-04. Review status: criteria provided, single submitter. Criteria: Ambry Variant Classification Scheme 2023. Collection method: clinical testing. Allele origin: germline.

Eurofins Ntd Llc (ga)
Classification: Uncertain significance. Last evaluated: 2018-02-04. Review status: criteria provided, single submitter. Criteria: EGL Classification Definitions 2015. Collection method: clinical testing. Allele origin: germline. Observed: 1 variant allele, 1 heterozygote.

Illumina Laboratory Services, Illumina
Classification: Uncertain significance for Autosomal recessive nonsyndromic hearing loss 30. Last evaluated: 2018-01-13. Review status: criteria provided, single submitter. Criteria: ICSL Variant Classification Criteria 13 December 2019. Collection method: clinical testing. Allele origin: germline.

CeGaT Center for Human Genetics Tuebingen
Classification: Uncertain significance. Last evaluated: 2016-05-01. Review status: criteria provided, single submitter. Criteria: CeGaT Center For Human Genetics Tuebingen Variant Classification Criteria Version 2. Collection method: clinical testing. Allele origin: germline. Affected: yes. Observed: 1 variant allele.

Laboratory for Molecular Medicine, Mass General Brigham Personalized Medicine
Classification: Likely benign. Last evaluated: 2012-04-30. Review status: criteria provided, single submitter. Criteria: LMM Criteria. Collection method: clinical testing. Allele origin: germline. Observed: 2 variant alleles.
Comment: Pro548His in Exon 16 of MYO3A: This variant is not expected to have clinical sig nificance because it has been identified in 0.4% (15/3732) of African American c hromosomes from a broad population by the NHLBI Exome Sequencing Project (dbSNP rs143918373).

ARUP Laboratories, Molecular Genetics and Genomics, ARUP Laboratories
Classification: Uncertain significance for Autosomal recessive nonsyndromic hearing loss 30. Review status: criteria provided, single submitter. Criteria: ARUP Molecular Germline Variant Investigation Process 2024. Collection method: clinical testing. Allele origin: germline.
Comment: The MYO3A c.1643C>A; p.Pro548His variant (rs143918373), to our knowledge, is not reported in the medical literature but is reported in ClinVar (Variation ID: 178465). This variant is found in the general population with an overall allele frequency of 0.050% (142/282230 alleles) in the Genome Aggregation Database (v2.1.1). Computational analyses are uncertain whether this variant is neutral or deleterious (REVEL: 0.415). Due to limited information, the clinical significance of this variant is uncertain at this time.